The following is an entry in ClinVar:

ClinVar aggregate classification (germline): Uncertain significance (0 of 4 stars; one submission).

Conditions:
IKBKB-related disorder. Also called: IKBKB-related condition.

Allele frequency attached by ClinVar (database versions not stated): gnomAD 0.00007; TOPMed 0.00010.
gnomAD v4.1: 26 of 1,303,922 alleles (0.002%); highest among the groups gnomAD compares: African/African-American, 0.032%; no homozygotes.

Submission:

PreventionGenetics, part of Exact Sciences
Classification: Uncertain significance for IKBKB-related condition. Last evaluated: 2023-10-20. Review status: no assertion criteria provided. Collection method: clinical testing. Allele origin: germline.
Comment: The IKBKB c.94C>G variant is predicted to result in the amino acid substitution p.Arg32Gly. To our knowledge, this variant has not been reported in the literature. This variant is reported in 0.031% of alleles in individuals of African descent in gnomAD. At this time, the clinical significance of this variant is uncertain due to the absence of conclusive functional and genetic evidence.

NM_001556.3(IKBKB):c.-24C>G

Genes: IKBKB (inhibitor of nuclear factor kappa B kinase subunit beta; plus strand), LOC130000299 (ATAC-STARR-seq lymphoblastoid silent region 19154; plus strand). Cytogenetic location: 8p11.21.
Variant type: single nucleotide variant.
Coding change: c.-24C>G on transcript NM_001556.3 (MANE Select); 24 bases upstream of the start codon, C replaced by G.
Molecular consequence: 5 prime UTR variant. On other transcripts: non-coding transcript variant (3).
Genome position (GRCh38, 1-based): chr8:42,271,464, C>G. VCF-style: chr8-42271464-C-G. GRCh37 (hg19) VCF-style: chr8-42128982-C-G.
Other names: c.-93C>G (NM_001190720.3); c.-106C>G (NM_001242778.2).
Identifiers: ClinVar variation 3030446 (VCV003030446.2), dbSNP rs901993530, ClinGen allele CA175976709.